The following is an entry in ClinVar:

ClinVar aggregate classification (germline): Uncertain significance (1 of 4 stars; one submission).

gnomAD v4.1: 3 of 1,607,844 alleles (0.00019%); highest among the groups gnomAD compares: East Asian, 0.0022%; no homozygotes.

Submission:

Labcorp Genetics (formerly Invitae), Labcorp
Classification: Uncertain significance. Last evaluated: 2022-08-16. Review status: criteria provided, single submitter. Criteria: Invitae Variant Classification Sherloc (09022015). Collection method: clinical testing. Allele origin: germline.
Comment: In summary, the available evidence is currently insufficient to determine the role of this variant in disease. Therefore, it has been classified as a Variant of Uncertain Significance. Algorithms developed to predict the effect of missense changes on protein structure and function are either unavailable or do not agree on the potential impact of this missense change (SIFT: "Tolerated"; PolyPhen-2: "Probably Damaging"; Align-GVGD: "Class C0"). ClinVar contains an entry for this variant (Variation ID: 1475853). This variant has not been reported in the literature in individuals affected with IRF2BP2-related conditions. This variant is not present in population databases (gnomAD no frequency). This sequence change replaces aspartic acid, which is acidic and polar, with glutamic acid, which is acidic and polar, at codon 307 of the IRF2BP2 protein (p.Asp307Glu).

NM_182972.3(IRF2BP2):c.921C>G (p.Asp307Glu)

Gene: IRF2BP2 (interferon regulatory factor 2 binding protein 2; minus strand). Cytogenetic location: 1q42.3.
Variant type: single nucleotide variant.
Coding change: c.921C>G on transcript NM_182972.3 (MANE Select); coding-DNA position 921, C replaced by G.
Protein change: p.Asp307Glu; replaces aspartic acid 307 with glutamic acid.
Molecular consequence: missense variant.
Genome position (GRCh38, 1-based): chr1:234,608,574, G>C on the plus strand (C>G on the coding strand, the complement: IRF2BP2 is on the minus strand). VCF-style: chr1-234608574-G-C. GRCh37 (hg19) VCF-style: chr1-234744320-G-C.
Other names: c.921C>G, p.Asp307Glu (NM_001077397.1); short protein forms D307E.
Identifiers: ClinVar variation 1475853 (VCV001475853.6), dbSNP rs371081063, ClinGen allele CA345307630.
Genomic context (GRCh38, chr1:234,608,574, plus strand): 5'-CTTCTTAAACTTGCTCTCGAAGGGCCCCGAGTGGCCGTGCTGGTGCAGCGCCAGCAGCGT[G>C]TCGCGCACGGTCTTGGGCCTGTTGACCCAGTCCTGCTCTCCAGACCCGCGGCTCTTGCCC-3'
Protein context (NP_892017.2, residues 297-317): DWVNRPKTVR[Asp307Glu]TLLALHQHGH